The following is an entry in ClinVar:

ClinVar aggregate classification (germline): Benign. Review status: criteria provided, multiple submitters, no conflicts (2 of 4 stars). 6 submissions from 6 submitters: Benign (6). Last evaluated 2026-05-11.

Conditions:
Ellis-van Creveld syndrome (EVC). Also called: Chondroectodermal dysplasia; MESOECTODERMAL DYSPLASIA. Identifiers: Orphanet 289, MedGen C0013903, MONDO:0009162, OMIM 225500.
Curry-Hall syndrome (WAD). Also called: WEYERS ACRODENTAL DYSOSTOSIS. Identifiers: Orphanet 952, MedGen C0457013, MONDO:0008673, OMIM 193530.

Allele frequency attached by ClinVar (database versions not stated): ExAC 0.00768; 1000 Genomes Project 0.02656; 1000 Genomes Project 30x 0.02826; gnomAD exomes 0.00637; ESP Exome Variant Server 0.02776; TOPMed 0.02835; gnomAD 0.02598 and 0.02788.
gnomAD v4.1: 7,686 of 1,612,094 alleles (0.48%); highest among the groups gnomAD compares: African/African-American, 9%; 296 homozygotes.

Submissions (6):

Women's Health and Genetics/Laboratory Corporation of America, LabCorp
Classification: Benign. Last evaluated: 2026-05-11. Review status: criteria provided, single submitter. Criteria: LabCorp Variant Classification Summary - May 2015. Collection method: clinical testing. Allele origin: germline.

Labcorp Genetics (formerly Invitae), Labcorp
Classification: Benign for Curry-Hall syndrome; Ellis-van Creveld syndrome. Last evaluated: 2026-01-31. Review status: criteria provided, single submitter. Criteria: Invitae Variant Classification Sherloc (09022015). Collection method: clinical testing. Allele origin: germline.

ARUP Laboratories, Molecular Genetics and Genomics, ARUP Laboratories
Classification: Benign. Last evaluated: 2025-02-25. Review status: criteria provided, single submitter. Criteria: ARUP Molecular Germline Variant Investigation Process 2024. Collection method: clinical testing. Allele origin: germline.

Illumina Laboratory Services, Illumina
Classification: Benign for Ellis-van Creveld syndrome. Last evaluated: 2018-01-13. Review status: criteria provided, single submitter. Criteria: ICSL Variant Classification Criteria 13 December 2019. Collection method: clinical testing. Allele origin: germline.
Comment: This variant was observed in the ICSL laboratory as part of a predisposition screen in an ostensibly healthy population. It had not been previously curated by ICSL or reported in the Human Gene Mutation Database (HGMD: prior to June 1st, 2018), and was therefore a candidate for classification through an automated scoring system. Utilizing variant allele frequency, disease prevalence and penetrance estimates, and inheritance mode, an automated score was calculated to assess if this variant is too frequent to cause the disease. Based on the score and internal cut-off values, a variant classified as benign is not then subjected to further curation. The score for this variant resulted in a classification of benign for this disease.

GeneDx
Classification: Benign. Last evaluated: 2016-06-07. Review status: criteria provided, single submitter. Criteria: GeneDx Variant Classification (06012015). Collection method: clinical testing. Allele origin: germline. Affected: yes.
Comment: This variant is considered likely benign or benign based on one or more of the following criteria: it is a conservative change, it occurs at a poorly conserved position in the protein, it is predicted to be benign by multiple in silico algorithms, and/or has population frequency not consistent with disease.

Breakthrough Genomics
Classification: Benign. Review status: criteria provided, single submitter. Criteria: ACMG Guidelines, 2015. Collection method: not provided. Allele origin: germline. Inheritance: Autosomal recessive inheritance. Affected: yes.

NM_153717.3(EVC):c.939+11G>T

Gene: EVC (EvC ciliary complex subunit 1; plus strand). Cytogenetic location: 4p16.2.
Variant type: single nucleotide variant.
Coding change: c.939+11G>T on transcript NM_153717.3 (MANE Select); 11 bases into the intron after coding-DNA position 939, G replaced by T.
Molecular consequence: intron variant.
Genome position (GRCh38, 1-based): chr4:5,745,352, G>T. VCF-style: chr4-5745352-G-T. GRCh37 (hg19) VCF-style: chr4-5747079-G-T.
Other names: c.939+11G>T (NM_001306090.2, NM_001306092.2).
Identifiers: ClinVar variation 349169 (VCV000349169.25), dbSNP rs55955937, ClinGen allele CA2835921.